The following is an entry in ClinVar:

ClinVar aggregate classification (germline): Uncertain significance (1 of 4 stars; one submission).

Conditions:
Hyperekplexia 2 (HKPX2). Identifiers: Orphanet 3197, MedGen C3553291, MONDO:0013828, OMIM 614619.

gnomAD v4.1: 2 of 1,612,654 alleles (0.00012%); no homozygotes.

Submission:

Labcorp Genetics (formerly Invitae), Labcorp
Classification: Uncertain significance for Hyperekplexia 2. Last evaluated: 2022-09-01. Review status: criteria provided, single submitter. Criteria: Invitae Variant Classification Sherloc (09022015). Collection method: clinical testing. Allele origin: germline.
Comment: In summary, the available evidence is currently insufficient to determine the role of this variant in disease. Therefore, it has been classified as a Variant of Uncertain Significance. Advanced modeling of protein sequence and biophysical properties (such as structural, functional, and spatial information, amino acid conservation, physicochemical variation, residue mobility, and thermodynamic stability) performed at Invitae indicates that this missense variant is not expected to disrupt GLRB protein function. ClinVar contains an entry for this variant (Variation ID: 1518321). This variant has not been reported in the literature in individuals affected with GLRB-related conditions. This variant is not present in population databases (gnomAD no frequency). This sequence change replaces proline, which is neutral and non-polar, with threonine, which is neutral and polar, at codon 461 of the GLRB protein (p.Pro461Thr).

NM_000824.5(GLRB):c.1381C>A (p.Pro461Thr)

Gene: GLRB (glycine receptor beta; plus strand). Cytogenetic location: 4q32.1.
Variant type: single nucleotide variant.
Coding change: c.1381C>A on transcript NM_000824.5 (MANE Select); coding-DNA position 1381, C replaced by A.
Protein change: p.Pro461Thr; replaces proline 461 with threonine.
Molecular consequence: missense variant. On other transcripts: 3 prime UTR variant (1).
Genome position (GRCh38, 1-based): chr4:157,170,615, C>A. VCF-style: chr4-157170615-C-A. GRCh37 (hg19) VCF-style: chr4-158091767-C-A.
Other names: c.1381C>A, p.Pro461Thr (NM_001166060.2); c.*176C>A (NM_001166061.2); short protein forms P461T.
Identifiers: ClinVar variation 1518321 (VCV001518321.6), dbSNP rs749199686, ClinGen allele CA109167789.